The following is an entry in ClinVar:

NM_033305.3(VPS13A):c.6096-3C>A

Gene: VPS13A (vacuolar protein sorting 13 homolog A; plus strand). Cytogenetic location: 9q21.2.
Variant type: single nucleotide variant.
Coding change: c.6096-3C>A on transcript NM_033305.3 (MANE Select); 3 bases into the intron before coding-DNA position 6096, C replaced by A.
Molecular consequence: intron variant.
Genome position (GRCh38, 1-based): chr9:77,337,252, C>A. VCF-style: chr9-77337252-C-A. GRCh37 (hg19) VCF-style: chr9-79952168-C-A.
Other names: c.5979-3C>A (NM_001018037.2); c.6096-3C>A (NM_015186.4, NM_001018038.3).
Identifiers: ClinVar variation 1409605 (VCV001409605.7), dbSNP rs753054165, ClinGen allele CA5092953.

ClinVar aggregate classification (germline): Uncertain significance. Review status: criteria provided, multiple submitters, no conflicts (2 of 4 stars). 3 submissions from 3 submitters: Uncertain significance (3). Last evaluated 2024-09-03.

Conditions:
VPS13A-related neurodegenerative disease. Also called: VPS13A Disease; LEVINE-CRITCHLEY SYNDROME; Choreoacanthocytosis; Chorea-acanthocytosis; ACANTHOCYTOSIS WITH NEUROLOGIC DISORDER; Choreaacanthocytosis. Identifiers: Orphanet 2388, MedGen C0393576, MONDO:0008695, OMIM 200150.

Allele frequency attached by ClinVar (database versions not stated): gnomAD exomes below 0.00001 and 0.00001; ExAC 0.00001; TOPMed 0.00001.
gnomAD v4.1: 2 of 1,609,754 alleles (0.00012%); highest among the groups gnomAD compares: Admixed American, 0.0033%; no homozygotes.

Submissions (3):

3billion
Classification: Uncertain significance for VPS13A-related neurodegenerative disease. Last evaluated: 2024-09-03. Review status: criteria provided, single submitter. Criteria: ACMG Guidelines, 2015. Collection method: clinical testing. Allele origin: germline. Affected: yes.
Comment: The variant is observed at an extremely low frequency in the gnomAD v4.0.0 dataset (total allele frequency: <0.001%). Predicted Consequence/Location: Intron variant In silico tools predict the variant to alter splicing and produce an abnormal transcript [SpliceAI: 0.92 (>=0.2, moderate evidence for spliceogenicity)]. The variant has been reported as of uncertain significance (ClinVar ID: VCV001409605). Therefore, this variant is classified as VUS according to the recommendation of ACMG/AMP guideline.

Fulgent Genetics
Classification: Uncertain significance for VPS13A-related neurodegenerative disease. Last evaluated: 2022-03-21. Review status: criteria provided, single submitter. Criteria: ACMG Guidelines, 2015. Collection method: clinical testing. Allele origin: unknown.

Labcorp Genetics (formerly Invitae), Labcorp
Classification: Uncertain significance. Last evaluated: 2021-08-24. Review status: criteria provided, single submitter. Criteria: Invitae Variant Classification Sherloc (09022015). Collection method: clinical testing. Allele origin: germline.
Comment: This sequence change falls in intron 46 of the VPS13A gene. It does not directly change the encoded amino acid sequence of the VPS13A protein. It affects a nucleotide within the consensus splice site of the intron. This variant is present in population databases (rs753054165, ExAC 0.01%). This variant has not been reported in the literature in individuals affected with VPS13A-related conditions. Variants that disrupt the consensus splice site are a relatively common cause of aberrant splicing (PMID: 17576681, 9536098). Algorithms developed to predict the effect of sequence changes on RNA splicing suggest that this variant may disrupt the consensus splice site. In summary, the available evidence is currently insufficient to determine the role of this variant in disease. Therefore, it has been classified as a Variant of Uncertain Significance.

Literature cited by the submitters: PubMed 17576681 (cited by Labcorp Genetics (formerly Invitae), Labcorp); PubMed 9536098 (cited by Labcorp Genetics (formerly Invitae), Labcorp).